The following is an entry in ClinVar:

NM_001903.5(CTNNA1):c.2298+6T>A

Gene: CTNNA1 (catenin alpha 1; plus strand). Cytogenetic location: 5q31.2.
Variant type: single nucleotide variant.
Coding change: c.2298+6T>A on transcript NM_001903.5 (MANE Select); 6 bases into the intron after coding-DNA position 2298, T replaced by A.
Molecular consequence: intron variant.
Genome position (GRCh38, 1-based): chr5:138,930,941, T>A. VCF-style: chr5-138930941-T-A. GRCh37 (hg19) VCF-style: chr5-138266630-T-A.
Other names: c.1188+6T>A (NM_001323988.1, NM_001323997.1, NM_001323992.1 and 17 more transcripts); c.849+6T>A (NM_001324006.1, NM_001324008.1, NM_001324010.1 and 2 more transcripts); c.1095+6T>A (NM_001324011.1); c.945+6T>A (NM_001324012.1, NM_001324013.1); c.2298+6T>A (NM_001323982.2, NM_001323984.2, NM_001290307.3 and 2 more transcripts); c.2205+6T>A (NM_001323986.2); c.1929+6T>A (NM_001290310.3); c.1989+6T>A (NM_001290309.3).
Identifiers: ClinVar variation 3724702 (VCV003724702.2).
Genomic context (GRCh38, chr5:138,930,941, plus strand): 5'-AATTGCTGAGGCAGGATCCAGGATGGACAAGCTTGGCCGCACCATTGCAGACCATGTAAG[T>A]GACAGACTTGCCAGGTGGGTCTCCAAGCTCCTCCTGGGGCTCAGGCAGCCCAGCCTGGTC-3'

ClinVar aggregate classification (germline): Uncertain significance (1 of 4 stars; one submission).

Submission:

Labcorp Genetics (formerly Invitae), Labcorp
Classification: Uncertain significance. Last evaluated: 2024-11-05. Review status: criteria provided, single submitter. Criteria: Invitae Variant Classification Sherloc (09022015). Collection method: clinical testing. Allele origin: germline.
Comment: This sequence change falls in intron 16 of the CTNNA1 gene. It does not directly change the encoded amino acid sequence of the CTNNA1 protein. It affects a nucleotide within the consensus splice site. This variant is not present in population databases (gnomAD no frequency). This variant has not been reported in the literature in individuals affected with CTNNA1-related conditions. Variants that disrupt the consensus splice site are a relatively common cause of aberrant splicing (PMID: 17576681, 9536098). Studies have shown that this variant is associated with inconclusive levels of altered splicing (internal data). In summary, the available evidence is currently insufficient to determine the role of this variant in disease. Therefore, it has been classified as a Variant of Uncertain Significance.

Literature cited by the submitters: PubMed 17576681; PubMed 9536098.